The following is an entry in ClinVar:

ClinVar aggregate classification (germline): Pathogenic (1 of 4 stars; one submission).

Conditions:
Tumor predisposition syndrome 3 (TPDS3). Also called: LONG TELOMERE SYNDROME, POT1-RELATED; POT1 Tumor Predisposition; Glioma susceptibility 9; Melanoma, cutaneous malignant, susceptibility to, 10. Identifiers: Orphanet 618, MedGen C4014476, MONDO:0014368, OMIM 615848.

Submission:

Labcorp Genetics (formerly Invitae), Labcorp
Classification: Pathogenic for Tumor predisposition syndrome 3. Last evaluated: 2024-02-23. Review status: criteria provided, single submitter. Criteria: Invitae Variant Classification Sherloc (09022015). Collection method: clinical testing. Allele origin: germline.
Comment: This sequence change creates a premature translational stop signal (p.Ala532Hisfs*13) in the POT1 gene. It is expected to result in an absent or disrupted protein product. Loss-of-function variants in POT1 are known to be pathogenic (PMID: 32155570). This variant is not present in population databases (gnomAD no frequency). This variant has not been reported in the literature in individuals affected with POT1-related conditions. ClinVar contains an entry for this variant (Variation ID: 1451927). For these reasons, this variant has been classified as Pathogenic.

Literature cited by the submitters: PubMed 32155570.

NM_015450.3(POT1):c.1593del (p.Ala532fs)

Gene: POT1 (protection of telomeres 1; minus strand). Cytogenetic location: 7q31.33.
Variant type: Deletion.
Coding change: c.1593del on transcript NM_015450.3 (MANE Select); coding-DNA position 1593, one base deleted (A; older notation c.1593delA).
Protein change: p.Ala532fs; shifts the reading frame from alanine 532.
Molecular consequence: frameshift variant. On other transcripts: non-coding transcript variant (2).
Genome position (GRCh38, 1-based): chr7:124,829,255, T deleted on the plus strand (A on the coding strand, the reverse complement: POT1 is on the minus strand); the first of 2 consecutive T bases (chr7:124,829,255-124,829,256); deleting either gives the same sequence. VCF-style (leftmost placement, unchanged base first): chr7-124829254-CT-C. GRCh37 (hg19) VCF-style: chr7-124469308-CT-C.
Other names: c.1200del, p.Ala401fs (NM_001042594.2); short protein forms A401fs, A532fs.
Identifiers: ClinVar variation 1451927 (VCV001451927.6), dbSNP rs2116421906, ClinGen allele CA2573141658.